The following is an entry in ClinVar:

ClinVar aggregate classification (germline): Uncertain significance. Review status: criteria provided, multiple submitters, no conflicts (2 of 4 stars). 9 submissions from 9 submitters: Uncertain significance (8). 1 of the submissions does not count toward it. Last evaluated 2026-01-12.

Conditions:
Myopathy, centronuclear, 2 (CNM2). Also called: MYOTUBULAR MYOPATHY, AUTOSOMAL RECESSIVE. Identifiers: Orphanet 169186, MedGen CN031787, MONDO:0009709, OMIM 255200.

Allele frequency attached by ClinVar (database versions not stated): 1000 Genomes Project 30x 0.00031; ExAC 0.00039; gnomAD 0.00034 and 0.00037; ESP Exome Variant Server 0.00023; 1000 Genomes Project 0.00040; TOPMed 0.00041; gnomAD exomes 0.00043.
gnomAD v4.1: 875 of 1,613,746 alleles (0.054%); highest among the groups gnomAD compares: Non-Finnish European, 0.07%; no homozygotes.

Submissions (9):

Labcorp Genetics (formerly Invitae), Labcorp
Classification: Uncertain significance for Myopathy, centronuclear, 2. Last evaluated: 2026-01-12. Review status: criteria provided, single submitter. Criteria: Invitae Variant Classification Sherloc (09022015). Collection method: clinical testing. Allele origin: germline.
Comment: This sequence change replaces asparagine, which is neutral and polar, with lysine, which is basic and polar, at codon 232 of the BIN1 protein (p.Asn232Lys). This variant is present in population databases (rs143820618, gnomAD 0.08%). This variant has not been reported in the literature in individuals affected with BIN1-related conditions. ClinVar contains an entry for this variant (Variation ID: 158016). An algorithm developed to predict the effect of missense changes on protein structure and function (PolyPhen-2) suggests that this variant is likely to be disruptive. In summary, the available evidence is currently insufficient to determine the role of this variant in disease. Therefore, it has been classified as a Variant of Uncertain Significance.

Revvity Omics, Revvity
Classification: Uncertain significance for Myopathy, centronuclear, 2. Last evaluated: 2024-08-08. Review status: criteria provided, single submitter. Criteria: ACMG Guidelines, 2015. Collection method: clinical testing. Allele origin: germline.

Mayo Clinic Laboratories, Mayo Clinic
Classification: Uncertain significance. Last evaluated: 2023-04-12. Review status: criteria provided, single submitter. Criteria: ACMG Guidelines, 2015. Collection method: clinical testing. Allele origin: germline. Observed: 2 variant alleles.

Breda Genetics srl
Classification: Uncertain significance for Myopathy, centronuclear, 2. Last evaluated: 2022-05-17. Review status: criteria provided, single submitter. Criteria: ACMG Guidelines, 2015. Collection method: clinical testing. Allele origin: germline. Inheritance: Autosomal recessive inheritance. Affected: yes. Observed: 1 variant allele, 1 heterozygote.
Comment: Based on allele frequency, in-silico prediction scores and a certain overlap with the clinical phenotype, we interpreted this variant at least as of uncertain significance. The lack of one or more of the following features has discouraged further investigations: lack of a possible second hit in autosomal recessive conditions, presence of healthy controls in databases for autosomal dominant conditions, presence of unmatching cardinal clinical features in the patient or in the known gene-disease association, and/or variant type outside the known gene mutational spectrum.

GeneDx
Classification: Uncertain significance. Last evaluated: 2022-03-29. Review status: criteria provided, single submitter. Criteria: GeneDx Variant Classification Process June 2021. Collection method: clinical testing. Allele origin: germline. Affected: yes.
Comment: Reported in an individual with familial congenital heart disease, however, further clinical information was not provided and the individual may have harbored additional variants in other genes (Alankarage et al., 2019); In silico analysis, which includes protein predictors and evolutionary conservation, supports a deleterious effect; This variant is associated with the following publications: (PMID: 30293987)

Fulgent Genetics
Classification: Uncertain significance for Myopathy, centronuclear, 2. Last evaluated: 2018-10-31. Review status: criteria provided, single submitter. Criteria: ACMG Guidelines, 2015. Collection method: clinical testing. Allele origin: unknown.

Illumina Laboratory Services, Illumina
Classification: Uncertain significance for Myopathy, centronuclear, 2. Last evaluated: 2018-01-13. Review status: criteria provided, single submitter. Criteria: ICSL Variant Classification Criteria 13 December 2019. Collection method: clinical testing. Allele origin: germline.

Center for Pediatric Genomic Medicine, Children's Mercy Hospital and Clinics
Classification: Uncertain significance. Last evaluated: 2017-05-19. Review status: criteria provided, single submitter. Criteria: ACMG Guidelines, 2015. Collection method: clinical testing. Allele origin: germline.

Genetic Services Laboratory, University of Chicago
Classification: Likely benign. Review status: no assertion criteria provided. Collection method: clinical testing. Allele origin: germline. Inheritance: Autosomal recessive inheritance. Not counted in ClinVar's aggregate classification.
Comment: Likely benign based on allele frequency in 1000 Genomes Project or ESP global frequency and its presence in a patient with a rare or unrelated disease phenotype. NOT Sanger confirmed

Literature cited by the submitters: PubMed 30293987 (cited by Mayo Clinic Laboratories, Mayo Clinic); PubMed 36133075 (cited by Mayo Clinic Laboratories, Mayo Clinic).

NM_139343.3(BIN1):c.696C>A (p.Asn232Lys)

Gene: BIN1 (bridging integrator 1; minus strand). Cytogenetic location: 2q14.3.
Variant type: single nucleotide variant.
Coding change: c.696C>A on transcript NM_139343.3 (MANE Select); coding-DNA position 696, C replaced by A.
Protein change: p.Asn232Lys; replaces asparagine 232 with lysine.
Molecular consequence: missense variant.
Genome position (GRCh38, 1-based): chr2:127,063,935, G>T on the plus strand (C>A on the coding strand, the complement: BIN1 is on the minus strand). VCF-style: chr2-127063935-G-T. GRCh37 (hg19) VCF-style: chr2-127821511-G-T.
Other names: p.Asn232Lys; c.603C>A, p.Asn201Lys (NM_001320632.2, NM_001320641.2, NM_004305.4 and 6 more transcripts); c.696C>A, p.Asn232Lys (NM_001320633.2, NM_001320640.2, NM_139344.3 and 1 more transcripts); c.531C>A, p.Asn177Lys (NM_001320634.1); c.615C>A, p.Asn205Lys (NM_001320642.1); short protein forms N232K, N201K, N205K, N177K.
Identifiers: ClinVar variation 158016 (VCV000158016.28), dbSNP rs143820618, ClinGen allele CA171403.
Genomic context (GRCh38, chr2:127,063,935, plus strand): 5'-CCGCAGCACGCAGACTGGACACTGCCCCACGCAGGCTGGGCACCGTGCTGGGCCTCACCT[G>T]TTCCACAGGGACGGCAGCTCCTCCTGCAGATCCACATTCATCTCCTCAAACACCTTCTGG-3'
Protein context (NP_647593.1, residues 222-242): DLQEELPSLW[Asn232Lys]SRVGFYVNTF